The following is an entry in ClinVar:

ClinVar aggregate classification (germline): Uncertain significance (1 of 4 stars; one submission).

Conditions:
Hyperaldosteronism, familial, type IV (HALD4). Also called: FH IV; ALDOSTERONISM, PRIMARY, AND HYPERTENSION. Identifiers: Orphanet 642671, MedGen C4310756, MONDO:0014875, OMIM 617027.
Idiopathic generalized epilepsy. Also called: Generalised epilepsy; EIG. Identifiers: MedGen C0270850, MONDO:0005579, OMIM 600669.

Submission:

Labcorp Genetics (formerly Invitae), Labcorp
Classification: Uncertain significance for Idiopathic generalized epilepsy; Hyperaldosteronism, familial, type IV. Last evaluated: 2020-01-29. Review status: criteria provided, single submitter. Criteria: Invitae Variant Classification Sherloc (09022015). Collection method: clinical testing. Allele origin: germline.
Comment: In summary, the available evidence is currently insufficient to determine the role of this variant in disease. Therefore, it has been classified as a Variant of Uncertain Significance. Experimental studies and prediction algorithms are not available or were not evaluated, and the functional significance of this variant is currently unknown. This variant has not been reported in the literature in individuals with CACNA1H-related conditions. The frequency data for this variant in the population databases is considered unreliable, as metrics indicate insufficient coverage at this position in the ExAC database. This variant, c.1785_1787del, results in the deletion of 1 amino acid(s) of the CACNA1H protein (p.Ala596del), but otherwise preserves the integrity of the reading frame.

NM_021098.3(CACNA1H):c.1785_1787del (p.Ala596del)

Gene: CACNA1H (calcium voltage-gated channel subunit alpha1 H; plus strand). Cytogenetic location: 16p13.3.
Variant type: Deletion.
Coding change: c.1785_1787del on transcript NM_021098.3 (MANE Select); coding-DNA positions 1785 to 1787, 3 bases deleted (AGC; older notation c.1785_1787delAGC).
Protein change: p.Ala596del; deletes alanine 596.
Molecular consequence: inframe deletion.
Genome position (GRCh38, 1-based): chr16:1,202,235-1,202,237, AGC deleted; deleting any 3 consecutive bases within chr16:1,202,233-1,202,237 gives the same sequence; the c. name uses the placement nearest the transcript's 3' end. VCF-style (leftmost placement, unchanged base first): chr16-1202232-CGCA-C. GRCh37 (hg19) VCF-style: chr16-1252232-CGCA-C.
Other names: c.1785_1787del, p.Ala596del (NM_001005407.2); short protein forms A596del.
Identifiers: ClinVar variation 1025194 (VCV001025194.9), dbSNP rs1968031277, ClinGen allele CA973672008.
Genomic context (GRCh38, chr16:1,202,232, plus strand): 5'-CATCTACCATGCCGACTGCCACATAGAGGGGCCGCAGGAGAGGGCCCGGGTGGCACATGC[CGCA>C]GCCACTGCCGCTGCCAGCCTCAGACTGGCCACAGGGCTGGGCACCATGAACTACCCCACG-3'